The following is an entry in ClinVar:

ClinVar aggregate classification (germline): Benign/Likely benign. Review status: criteria provided, multiple submitters, no conflicts (2 of 4 stars). 6 submissions from 6 submitters: Benign (1); Likely benign (4). 1 of the submissions does not count toward it. Last evaluated 2025-12-13.

Conditions:
NF2-related disorder. Also called: NF2-related condition.
Hereditary cancer-predisposing syndrome. Also called: Neoplastic Syndromes, Hereditary; Hereditary Cancer Syndrome; Hereditary neoplastic syndrome; Tumor predisposition. Identifiers: Orphanet 140162, MedGen C0027672, MeSH D009386, MONDO:0015356.
Neurofibromatosis, type 2 (SWNV). Also called: NF2-Related Schwannomatosis; SCHWANNOMATOSIS, VESTIBULAR; BILATERAL ACOUSTIC NEUROFIBROMATOSIS. Identifiers: Orphanet 637, MedGen C0027832, MONDO:0007039, OMIM 101000. Disease mechanism: loss of function.

Allele frequency attached by ClinVar (database versions not stated): gnomAD 0.00001; gnomAD exomes 0.00002; TOPMed 0.00002; ExAC 0.00003; ESP Exome Variant Server 0.00008.
gnomAD v4.1: 32 of 1,612,618 alleles (0.002%); highest among the groups gnomAD compares: Middle Eastern, 0.082%; no homozygotes.

Submissions (6):

Labcorp Genetics (formerly Invitae), Labcorp
Classification: Likely benign for Neurofibromatosis, type 2. Last evaluated: 2025-12-13. Review status: criteria provided, single submitter. Criteria: Invitae Variant Classification Sherloc (09022015). Collection method: clinical testing. Allele origin: germline.

KCCC/NGS Laboratory, Kuwait Cancer Control Center
Classification: Benign for Neurofibromatosis, type 2. Last evaluated: 2025-02-01. Review status: criteria provided, single submitter. Criteria: ACMG Guidelines, 2015. Collection method: clinical testing. Allele origin: germline. Affected: no.

Blueprint Genetics
Classification: Likely benign. Last evaluated: 2024-04-22. Review status: criteria provided, single submitter. Criteria: ACMG Guidelines, 2015. Collection method: clinical testing. Allele origin: germline.

Color Diagnostics, LLC DBA Color Health
Classification: Likely benign for Neurofibromatosis, type 2. Last evaluated: 2022-11-07. Review status: criteria provided, single submitter. Criteria: ACMG Guidelines, 2015. Collection method: clinical testing. Allele origin: germline.

Ambry Genetics
Classification: Likely benign for Hereditary cancer-predisposing syndrome. Last evaluated: 2018-09-25. Review status: criteria provided, single submitter. Criteria: Ambry Variant Classification Scheme 2023. Collection method: clinical testing. Allele origin: germline.

PreventionGenetics, part of Exact Sciences
Classification: Likely benign for NF2-related condition. Last evaluated: 2021-11-19. Review status: no assertion criteria provided. Collection method: clinical testing. Allele origin: germline. Not counted in ClinVar's aggregate classification.
Comment: This variant is classified as likely benign based on ACMG/AMP sequence variant interpretation guidelines (Richards et al. 2015 PMID: 25741868, with internal and published modifications).

NM_000268.4(NF2):c.1273C>T (p.Leu425=)

Gene: NF2 (NF2, moesin-ezrin-radixin like (MERLIN) tumor suppressor; plus strand). Cytogenetic location: 22q12.2.
Variant type: single nucleotide variant.
Coding change: c.1273C>T on transcript NM_000268.4 (MANE Select); coding-DNA position 1273, C replaced by T.
Protein change: p.Leu425=; no amino-acid change (leucine 425 retained).
Molecular consequence: synonymous variant. On other transcripts: non-coding transcript variant (1), intron variant (1).
Genome position (GRCh38, 1-based): chr22:29,673,419, C>T. VCF-style: chr22-29673419-C-T. GRCh37 (hg19) VCF-style: chr22-30069408-C-T.
Other names: c.1273C>T, p.Leu425= (NM_016418.5, NM_181825.3, NM_181832.3); c.1147C>T, p.Leu383= (NM_181828.3); c.1150C>T, p.Leu384= (NM_181829.3); c.1024C>T, p.Leu342= (NM_181830.3, NM_181831.3); c.448-21333C>T (NM_181833.3); c.1273C>T (NM_181832.2).
Identifiers: ClinVar variation 457892 (VCV000457892.22), dbSNP rs142446775, ClinGen allele CA029410.